The following is an entry in ClinVar:

NM_020812.4(DOCK6):c.1643+5G>A

Gene: DOCK6 (dedicator of cytokinesis 6; minus strand). Cytogenetic location: 19p13.2.
Variant type: single nucleotide variant.
Coding change: c.1643+5G>A on transcript NM_020812.4 (MANE Select); 5 bases into the intron after coding-DNA position 1643, G replaced by A.
Molecular consequence: intron variant.
Genome position (GRCh38, 1-based): chr19:11,242,040, C>T on the plus strand (G>A on the coding strand, the complement: DOCK6 is on the minus strand). VCF-style: chr19-11242040-C-T. GRCh37 (hg19) VCF-style: chr19-11352716-C-T.
Other names: c.1643+5G>A (NM_001367830.1).
Identifiers: ClinVar variation 719116 (VCV000719116.17), dbSNP rs117014874, ClinGen allele CA9208078.
Genomic context (GRCh38, chr19:11,242,040, plus strand): 5'-CCCCACCCAGCATGATGTATGAATACCTCCCATTCAAGTGCCCAGCTGGGCCCCAGAGGC[C>T]GTACCTGTAGCTGGTATGGGGGGCATAGACTTCGCGGGCGGGGAACTCCAGAATCTCCTT-3'

ClinVar aggregate classification (germline): Benign/Likely benign. Review status: criteria provided, multiple submitters, no conflicts (2 of 4 stars). 4 submissions from 4 submitters: Benign (1); Likely benign (2). 1 of the submissions does not count toward it. Last evaluated 2025-11-27.

Conditions:
DOCK6-related disorder. Also called: DOCK6-related condition.

Allele frequency attached by ClinVar (database versions not stated): gnomAD 0.00037 and 0.00052; TOPMed 0.00084; gnomAD exomes 0.00128; 1000 Genomes Project 30x 0.00187; 1000 Genomes Project 0.00200; ExAC 0.00215.
gnomAD v4.1: 789 of 1,567,110 alleles (0.05%); highest among the groups gnomAD compares: East Asian, 1.3%; 5 homozygotes.

Submissions (6):

Labcorp Genetics (formerly Invitae), Labcorp
Classification: Benign. Last evaluated: 2025-11-27. Review status: criteria provided, single submitter. Criteria: Invitae Variant Classification Sherloc (09022015). Collection method: clinical testing. Allele origin: germline.

Blueprint Genetics
Classification: Likely benign. Last evaluated: 2024-11-25. Review status: criteria provided, single submitter. Criteria: ACMG Guidelines, 2015. Collection method: clinical testing. Allele origin: germline.

GeneDx
Classification: Likely benign. Last evaluated: 2018-11-10. Review status: criteria provided, single submitter. Criteria: GeneDx Variant Classification Process June 2021. Collection method: clinical testing. Allele origin: germline. Affected: yes.

PreventionGenetics, part of Exact Sciences
Classification: Benign for DOCK6-related condition. Last evaluated: 2024-03-24. Review status: no assertion criteria provided. Collection method: clinical testing. Allele origin: germline. Not counted in ClinVar's aggregate classification.
Comment: This variant is classified as benign based on ACMG/AMP sequence variant interpretation guidelines (Richards et al. 2015 PMID: 25741868, with internal and published modifications).

Dr. Peter K. Rogan Lab, Western University
No classification provided (evidence only). Condition: Gastric cancer. Review status: no classification provided. Collection method: in vitro. Allele origin: not applicable. Functional consequence: retained intron. Not counted in ClinVar's aggregate classification.

Dr. Peter K. Rogan Lab, Western University
No classification provided (evidence only). Condition: Gastric cancer. Review status: no classification provided. Collection method: in vitro. Allele origin: not applicable. Functional consequence: retained intron. Not counted in ClinVar's aggregate classification.